The following is an entry in ClinVar:

NM_003673.4(TCAP):c.157C>T (p.Gln53Ter)

Gene: TCAP (titin-cap; plus strand). Cytogenetic location: 17q12.
Variant type: single nucleotide variant.
Coding change: c.157C>T on transcript NM_003673.4 (MANE Select); coding-DNA position 157, C replaced by T.
Protein change: p.Gln53Ter; replaces glutamine 53 with a stop codon.
Molecular consequence: nonsense.
Genome position (GRCh38, 1-based): chr17:39,665,762, C>T. VCF-style: chr17-39665762-C-T. GRCh37 (hg19) VCF-style: chr17-37822015-C-T.
Other names: short protein forms Q53*.
Identifiers: ClinVar variation 5525 (VCV000005525.19), dbSNP rs104894655, ClinGen allele CA117567.
Genomic context (GRCh38, chr17:39,665,762, plus strand): 5'-TCCCCTCTCCCCAGCTGCTCCCTGCATGAGGAGGACACCCAGAGACATGAGACCTACCAC[C>T]AGCAGGGGCAGTGCCAGGTGCTGGTGCAGCGCTCGCCCTGGCTGATGATGCGGATGGGCA-3'

ClinVar aggregate classification (germline): Pathogenic/Likely pathogenic. Review status: criteria provided, multiple submitters, no conflicts (2 of 4 stars). 7 submissions from 7 submitters: Pathogenic (3); Likely pathogenic (2). 2 of the submissions do not count toward it. Last evaluated 2025-09-05.

Conditions:
Cardiovascular phenotype. Identifiers: MedGen CN230736.
Primary familial hypertrophic cardiomyopathy (HCM). Identifiers: Orphanet 99739, MedGen C0949658, MeSH D024741, MONDO:0024573. Inheritance: Various modes of inheritance.
Hypertrophic cardiomyopathy 25 (CMH25). Also called: CARDIOMYOPATHY, FAMILIAL HYPERTROPHIC, 25. Identifiers: MedGen C4225408, MONDO:0011843, OMIM 607487.
Autosomal recessive limb-girdle muscular dystrophy type 2G (LGMDR7). Also called: Telethoninopathy; Limb-girdle muscular dystrophy, type 2G; MUSCULAR DYSTROPHY, LIMB-GIRDLE, AUTOSOMAL RECESSIVE 7. Identifiers: Orphanet 34514, MedGen C1866008, MONDO:0011170, OMIM 601954.
Primary dilated cardiomyopathy (DCM). Also called: Dilated Cardiomyopathy. Identifiers: Orphanet 217604, MedGen C0007193, MeSH D002311, MONDO:0005021, HP:0001644. Inheritance: Various modes of inheritance.

Allele frequency attached by ClinVar (database versions not stated): gnomAD exomes below 0.00001; TOPMed 0.00001; gnomAD 0.00001.

Submissions (7):

Ambry Genetics
Classification: Pathogenic for Cardiovascular phenotype. Last evaluated: 2025-09-05. Review status: criteria provided, single submitter. Criteria: Ambry Variant Classification Scheme 2023. Collection method: clinical testing. Allele origin: germline.
Comment: The p.Q53* pathogenic mutation (also known as c.157C>T), located in coding exon 2 of the TCAP gene, results from a C to T substitution at nucleotide position 157. This changes the amino acid from a glutamine to a stop codon within coding exon 2. This alteration occurs at the 3' terminus of theTCAP gene, is not expected to trigger nonsense-mediated mRNA decay, and impacts the last 68% of the protein. However, premature stop codons are typically deleterious in nature and a significant portion of the protein is affected (Ambry internal data). This variant has been identified in the homozygous state and/or in conjunction with other TCAP variant(s) in individual(s) with features consistent with TCAP-related limb girdle muscular dystrophy (Negr&atilde;o L et al. Acta Myol, 2010 Jul;29:21-4; Moreira ES et al. Nat Genet, 2000 Feb;24:163-6; Cotta A et al. BMC Clin Pathol, 2014 Oct;14:41; T&ouml;pf A et al. Genet Med, 2020 Sep;22:1478-1488). This variant is considered to be rare based on population cohorts in the Genome Aggregation Database (gnomAD). Based on the supporting evidence, this variant is interpreted as a disease-causing mutation.

Labcorp Genetics (formerly Invitae), Labcorp
Classification: Pathogenic for Hypertrophic cardiomyopathy 25; Primary familial hypertrophic cardiomyopathy. Last evaluated: 2025-09-02. Review status: criteria provided, single submitter. Criteria: Invitae Variant Classification Sherloc (09022015). Collection method: clinical testing. Allele origin: germline.
Comment: This sequence change creates a premature translational stop signal (p.Gln53*) in the TCAP gene. While this is not anticipated to result in nonsense mediated decay, it is expected to disrupt the last 115 amino acid(s) of the TCAP protein. This variant is not present in population databases (gnomAD no frequency). This premature translational stop signal has been observed in individuals with autosomal recessive limb-girdle muscular dystrophy (PMID: 10655062, 23479141, 25298746). It has also been observed to segregate with disease in related individuals. ClinVar contains an entry for this variant (Variation ID: 5525). For these reasons, this variant has been classified as Pathogenic.

Dasa
Classification: Pathogenic for Autosomal recessive limb-girdle muscular dystrophy type 2G. Last evaluated: 2022-01-05. Review status: criteria provided, single submitter. Criteria: ACMG Guidelines, 2015. Collection method: clinical testing. Allele origin: germline. Affected: yes. Observed: 1 variant allele.
Comment: The c.157C>T;p.(Gln53*) variant creates a premature translational stop signal in the TCAP gene. It is expected to result in an absent or disrupted protein product -PVS1_strong. This sequence change has been observed in affected individual(s) and ClinVar contains an entry for this variant (ClinVar ID: 5525; PMID: 10655062; PMID: 27618135; PMID: 25298746) - PS4. The variant is present at low allele frequencies population databases (rs104894655 – gnomAD 0.001314%; ABraOM 0.001281 frequency) -PM2_supporting. In summary, the currently available evidence indicates that the variant is pathogenic.

Fulgent Genetics
Classification: Likely pathogenic for Autosomal recessive limb-girdle muscular dystrophy type 2G; Hypertrophic cardiomyopathy 25. Last evaluated: 2021-08-31. Review status: criteria provided, single submitter. Criteria: ACMG Guidelines, 2015. Collection method: clinical testing. Allele origin: unknown.

Laboratory of Genetics and Molecular Cardiology, University of São Paulo
Classification: Likely pathogenic for Hypertrophic cardiomyopathy 25. Review status: criteria provided, single submitter. Criteria: LGCM Criteria August 2015. Collection method: clinical testing. Allele origin: germline. Inheritance: Autosomal dominant inheritance. Affected: yes. Observed: 1 variant allele. Study: Sarcomeric Human Cardiomyopathy Registry (ShaRe).

Laboratory for Molecular Medicine, Mass General Brigham Personalized Medicine
Classification: Likely pathogenic for Primary dilated cardiomyopathy. Last evaluated: 2009-10-09. Review status: no assertion criteria provided. Collection method: clinical testing. Allele origin: germline. Observed: 1 variant allele. Not counted in ClinVar's aggregate classification.

OMIM
Classification: Pathogenic for MUSCULAR DYSTROPHY, LIMB-GIRDLE, AUTOSOMAL RECESSIVE 7. Last evaluated: 2000-02-01. Review status: no assertion criteria provided. Collection method: literature only. Allele origin: germline. Not counted in ClinVar's aggregate classification.

Literature cited by the submitters: PubMed 10655062 (cited by 5 submitters); PubMed 22029105 (cited by Ambry Genetics); PubMed 25298746 (cited by 3 submitters); PubMed 32528171 (cited by Ambry Genetics); PubMed 23479141 (cited by Labcorp Genetics (formerly Invitae), Labcorp); PubMed 27618135 (cited by Dasa).